The following is an entry in ClinVar:

ClinVar aggregate classification (germline): Uncertain significance (1 of 4 stars; one submission).

Submission:

GeneDx
Classification: Uncertain significance. Last evaluated: 2024-12-05. Review status: criteria provided, single submitter. Criteria: GeneDx Variant Classification Process June 2021. Collection method: clinical testing. Allele origin: germline. Affected: yes.
Comment: Not observed at significant frequency in large population cohorts (gnomAD); In silico analysis supports that this missense variant has a deleterious effect on protein structure/function; Has not been previously published as pathogenic or benign to our knowledge

NM_006734.4(HIVEP2):c.4490G>C (p.Arg1497Pro)

Gene: HIVEP2 (HIVEP zinc finger 2; minus strand). Cytogenetic location: 6q24.2.
Variant type: single nucleotide variant.
Coding change: c.4490G>C on transcript NM_006734.4 (MANE Select); coding-DNA position 4490, G replaced by C.
Protein change: p.Arg1497Pro; replaces arginine 1497 with proline.
Molecular consequence: missense variant.
Genome position (GRCh38, 1-based): chr6:142,770,249, C>G on the plus strand (G>C on the coding strand, the complement: HIVEP2 is on the minus strand). VCF-style: chr6-142770249-C-G. GRCh37 (hg19) VCF-style: chr6-143091386-C-G.
Other names: short protein forms R1497P.
Identifiers: ClinVar variation 3901365 (VCV003901365.1).
Genomic context (GRCh38, chr6:142,770,249, plus strand): 5'-GAGGAGAAGGAAGATGACCCTGACTGCAAGCCATCTTTTGGCTCAGAAGCACATCCTTGT[C>G]GAACCAGCTGGGGTTTCTGGGGGCGGGAGAGGTCCTTTTTGATGTCTGAGTTGGTCAGCT-3'
Protein context (NP_006725.3, residues 1487-1507): LSRPQKPQLV[Arg1497Pro]QGCASEPKDG